The following is an entry in ClinVar:

ClinVar aggregate classification (germline): Uncertain significance. Review status: criteria provided, multiple submitters, no conflicts (2 of 4 stars). 3 submissions from 3 submitters: Uncertain significance (3). Last evaluated 2023-08-09.

Conditions:
Inborn genetic diseases. Identifiers: MedGen C0950123, MeSH D030342.
Hydrocephalus, nonsyndromic, autosomal recessive 2. Also called: Hydrocephalus, congenital, 2, with or without brain or eye anomalies. Identifiers: Orphanet 2185, MedGen C3554691, MONDO:0014085, OMIM 615219.

Allele frequency attached by ClinVar (database versions not stated): gnomAD exomes below 0.00001; gnomAD 0.00001; ExAC 0.00002.
gnomAD v4.1: 6 of 1,597,976 alleles (0.00038%); highest among the groups gnomAD compares: African/African-American, 0.008%; no homozygotes.

Submissions (3):

Ambry Genetics
Classification: Uncertain significance for Inborn genetic diseases. Last evaluated: 2023-08-09. Review status: criteria provided, single submitter. Criteria: Ambry Variant Classification Scheme 2023. Collection method: clinical testing. Allele origin: germline.

MGZ Medical Genetics Center
Classification: Uncertain significance for Hydrocephalus, nonsyndromic, autosomal recessive 2. Last evaluated: 2022-05-04. Review status: criteria provided, single submitter. Criteria: ACMG Guidelines, 2015. Collection method: clinical testing. Allele origin: germline. Affected: yes. Observed: 1 variant allele.
Comment: ACMG criteria applied: PM2_SUP, BP4

Labcorp Genetics (formerly Invitae), Labcorp
Classification: Uncertain significance. Last evaluated: 2022-02-08. Review status: criteria provided, single submitter. Criteria: Invitae Variant Classification Sherloc (09022015). Collection method: clinical testing. Allele origin: germline.
Comment: This sequence change replaces glycine, which is neutral and non-polar, with arginine, which is basic and polar, at codon 1408 of the MPDZ protein (p.Gly1408Arg). The frequency data for this variant in the population databases is considered unreliable, as metrics indicate poor data quality at this position in the gnomAD database. This variant has not been reported in the literature in individuals affected with MPDZ-related conditions. Algorithms developed to predict the effect of missense changes on protein structure and function (SIFT, PolyPhen-2, Align-GVGD) all suggest that this variant is likely to be disruptive. In summary, the available evidence is currently insufficient to determine the role of this variant in disease. Therefore, it has been classified as a Variant of Uncertain Significance.

NM_001378778.1(MPDZ):c.4222G>A (p.Gly1408Arg)

Gene: MPDZ (multiple PDZ domain crumbs cell polarity complex component; minus strand). Cytogenetic location: 9p23.
Variant type: single nucleotide variant.
Coding change: c.4222G>A on transcript NM_001378778.1 (MANE Select); coding-DNA position 4222, G replaced by A.
Protein change: p.Gly1408Arg; replaces glycine 1408 with arginine.
Molecular consequence: missense variant.
Genome position (GRCh38, 1-based): chr9:13,136,782, C>T on the plus strand (G>A on the coding strand, the complement: MPDZ is on the minus strand). VCF-style: chr9-13136782-C-T. GRCh37 (hg19) VCF-style: chr9-13136781-C-T.
Other names: c.4123G>A, p.Gly1375Arg (NM_001261406.2, NM_001261407.2, NM_001375416.1 and 3 more transcripts); c.4222G>A, p.Gly1408Arg (NM_001330637.2, NM_001375413.1, NM_003829.5); c.4012G>A, p.Gly1338Arg (NM_001375420.1, NM_001375421.1, NM_001375422.1 and 4 more transcripts); c.3814G>A, p.Gly1272Arg (NM_001375427.1); c.4222G>A (NM_003829.3); short protein forms G1272R, G1338R, G1375R, G1408R.
Identifiers: ClinVar variation 1709355 (VCV001709355.6), dbSNP rs764081143, ClinGen allele CA4986788.
Genomic context (GRCh38, chr9:13,136,782, plus strand): 5'-TTATTTTCACTTTAGAAGGGGCACATTTAATGATTGATGAGGCATTCTGATGACTTCTTC[C>T]ATATAAAATCTGACCATTGATCTGTGAGAAATAAATATCATTAGTTGGGCCTGAAATCTT-3'
Protein context (NP_001365707.1, residues 1398-1418): LLEINGQILY[Gly1408Arg]RSHQNASSII